The following is an entry in ClinVar:

ClinVar aggregate classification (germline): Conflicting classifications of pathogenicity. Review status: criteria provided, conflicting classifications (1 of 4 stars). 3 submissions from 2 submitters: Likely pathogenic (1); Uncertain significance (1). 1 of the submissions does not count toward it. Last evaluated 2026-05-20.

Conditions:
KIF5B-related osteogenesis imperfecta syndrome.
KIF5B-related condition.

Submissions (3):

Undiagnosed Diseases Network, NIH
Classification: Likely pathogenic for KIF5B-related condition. Last evaluated: 2026-05-20. Review status: criteria provided, single submitter. Criteria: ACMG Guidelines, 2015. Collection method: clinical testing. Allele origin: de novo. Inheritance: Autosomal dominant inheritance. Affected: yes. Observed: 1 variant allele, 1 heterozygote. Study: Undiagnosed Diseases Network, UDN.
Comment: This variant has been described as uncertain in ClinVar (ID: 2580234). This variant has been reported as de novo in individuals affected with KIF5B related disorders (PMID: 37934770). This variant is predicted to be deleterious (CADD: 32, RAVEL 0.94, AlphaMissense: 1.0).

GeneDx
Classification: Uncertain significance. Last evaluated: 2023-08-27. Review status: criteria provided, single submitter. Criteria: GeneDx Variant Classification Process June 2021. Collection method: clinical testing. Allele origin: germline. Affected: yes.
Comment: Has not been previously published as pathogenic or benign to our knowledge; Not observed at significant frequency in large population cohorts (gnomAD); In silico analysis supports that this missense variant has a deleterious effect on protein structure/function; Variants in candidate genes are classified as variants of uncertain significance in accordance with ACMG guidelines (Richards et al., 2015)

Undiagnosed Diseases Network, NIH
Classification: Uncertain significance for KIF5B-related osteogenesis imperfecta syndrome. Last evaluated: 2021-08-25. Review status: no assertion criteria provided. Collection method: clinical testing. Allele origin: de novo. Affected: yes. Observed: 1 heterozygote. Study: Undiagnosed Diseases Network (NIH), UDN. Not counted in ClinVar's aggregate classification.

Literature cited by the submitters: PubMed 37934770 (cited by Undiagnosed Diseases Network, NIH); PubMed 35342932 (cited by Undiagnosed Diseases Network, NIH); PubMed 36018820 (cited by Undiagnosed Diseases Network, NIH).

NM_004521.3(KIF5B):c.260C>T (p.Thr87Ile)

Gene: KIF5B (kinesin family member 5B; minus strand). Cytogenetic location: 10p11.22.
Variant type: single nucleotide variant.
Coding change: c.260C>T on transcript NM_004521.3 (MANE Select); coding-DNA position 260, C replaced by T.
Protein change: p.Thr87Ile; replaces threonine 87 with isoleucine.
Molecular consequence: missense variant.
Genome position (GRCh38, 1-based): chr10:32,040,412, G>A on the plus strand (C>T on the coding strand, the complement: KIF5B is on the minus strand). VCF-style: chr10-32040412-G-A. GRCh37 (hg19) VCF-style: chr10-32329340-G-A.
Other names: p.T87I; p.Thr87Ile; short protein forms T87I.
Identifiers: ClinVar variation 2580234 (VCV002580234.4), dbSNP rs2491893358, ClinGen allele CA376456907.